The following is an entry in ClinVar:

NM_000051.4(ATM):c.8671+1783A>C

Genes: ATM (ATM serine/threonine kinase; plus strand), C11orf65 (chromosome 11 open reading frame 65; minus strand). Cytogenetic location: 11q22.3.
Variant type: single nucleotide variant.
Coding change: c.8671+1783A>C on transcript NM_000051.4 (MANE Select); 1783 bases into the intron after coding-DNA position 8671, A replaced by C.
Molecular consequence: intron variant.
Genome position (GRCh38, 1-based): chr11:108,349,148, A>C. VCF-style: chr11-108349148-A-C. GRCh37 (hg19) VCF-style: chr11-108219875-A-C.
Other names: c.8671+1783A>C (NM_001351834.2); c.640+36772T>G (NM_001330368.2); c.695-13856T>G (NM_001351110.2).
Identifiers: ClinVar variation 3131082 (VCV003131082.1), dbSNP rs1383606113, ClinGen allele CA942026375.

ClinVar aggregate classification (germline): Uncertain significance (1 of 4 stars; one submission).

Conditions:
Hereditary cancer-predisposing syndrome. Also called: Tumor predisposition; Hereditary Cancer Syndrome; Hereditary neoplastic syndrome; Neoplastic Syndromes, Hereditary. Identifiers: Orphanet 140162, MedGen C0027672, MeSH D009386, MONDO:0015356.

gnomAD v4.1: 1 of 152,234 alleles (0.00066%); highest among the groups gnomAD compares: Admixed American, 0.0065%; no homozygotes.

Submission:

Ambry Genetics
Classification: Uncertain significance for Hereditary cancer-predisposing syndrome. Last evaluated: 2022-07-21. Review status: criteria provided, single submitter. Criteria: Ambry Variant Classification Scheme 2023. Collection method: clinical testing. Allele origin: germline.
Comment: The c.8671+1783A>C intronic alteration consists of a A to C substitution 783 nucleotides after coding exon 58 in the ATM gene. Based on insufficient or conflicting evidence, the clinical significance of this alteration remains unclear.